The following is an entry in ClinVar:

NM_138348.6(OTULIN):c.149A>C (p.Glu50Ala)

Gene: OTULIN (OTU deubiquitinase with linear linkage specificity; plus strand). Cytogenetic location: 5p15.2.
Variant type: single nucleotide variant.
Coding change: c.149A>C on transcript NM_138348.6 (MANE Select); coding-DNA position 149, A replaced by C.
Protein change: p.Glu50Ala; replaces glutamic acid 50 with alanine.
Molecular consequence: missense variant.
Genome position (GRCh38, 1-based): chr5:14,664,974, A>C. VCF-style: chr5-14664974-A-C. GRCh37 (hg19) VCF-style: chr5-14665083-A-C.
Other names: c.149A>C (NM_138348.4); short protein forms E50A.
Identifiers: ClinVar variation 1943676 (VCV001943676.5), dbSNP rs983896316, ClinGen allele CA114003923.
Genomic context (GRCh38, chr5:14,664,974, plus strand): 5'-GGGACGGCGGGAAGGCGGCGGCCAGCGGGCAGCCGCGGCCCGAGATGCAGTGCCCGGCCG[A>C]GCAGTGAGTCCGCGGGGGCGCGGGGCGCGGGCCGTGGGCGGCGGGCTCGGTCCCCTCCGG-3'
Protein context (NP_612357.4, residues 40-60): QPRPEMQCPA[Glu50Ala]HEEDMYRAAD

ClinVar aggregate classification (germline): Uncertain significance. Review status: criteria provided, multiple submitters, no conflicts (2 of 4 stars). 2 submissions from 2 submitters: Uncertain significance (2). Last evaluated 2025-10-15.

Allele frequency attached by ClinVar (database versions not stated): gnomAD exomes 0.00003; gnomAD 0.00004; TOPMed 0.00005.
gnomAD v4.1: 36 of 1,080,680 alleles (0.0033%); highest among the groups gnomAD compares: Admixed American, 0.01%; no homozygotes.

Submissions (2):

Labcorp Genetics (formerly Invitae), Labcorp
Classification: Uncertain significance. Last evaluated: 2025-10-15. Review status: criteria provided, single submitter. Criteria: Invitae Variant Classification Sherloc (09022015). Collection method: clinical testing. Allele origin: germline.
Comment: This sequence change replaces glutamic acid, which is acidic and polar, with alanine, which is neutral and non-polar, at codon 50 of the OTULIN protein (p.Glu50Ala). This variant is present in population databases (no rsID available, gnomAD 0.01%). This variant has not been reported in the literature in individuals affected with OTULIN-related conditions. ClinVar contains an entry for this variant (Variation ID: 1943676). An algorithm developed to predict the effect of missense changes on protein structure and function (PolyPhen-2) suggests that this variant is likely to be tolerated. In summary, the available evidence is currently insufficient to determine the role of this variant in disease. Therefore, it has been classified as a Variant of Uncertain Significance.

Ambry Genetics
Classification: Uncertain significance. Last evaluated: 2024-06-07. Review status: criteria provided, single submitter. Criteria: Ambry Variant Classification Scheme 2023. Collection method: clinical testing. Allele origin: germline.